The following is an entry in ClinVar:

NM_033109.5(PNPT1):c.918+4G>C

Gene: PNPT1 (polyribonucleotide nucleotidyltransferase 1; minus strand). Cytogenetic location: 2p16.1.
Variant type: single nucleotide variant.
Coding change: c.918+4G>C on transcript NM_033109.5 (MANE Select); 4 bases into the intron after coding-DNA position 918, G replaced by C.
Molecular consequence: intron variant.
Genome position (GRCh38, 1-based): chr2:55,671,991, C>G on the plus strand (G>C on the coding strand, the complement: PNPT1 is on the minus strand). VCF-style: chr2-55671991-C-G. GRCh37 (hg19) VCF-style: chr2-55899126-C-G.
Identifiers: ClinVar variation 1371372 (VCV001371372.6), dbSNP rs1252073260, ClinGen allele CA532795432.

ClinVar aggregate classification (germline): Uncertain significance (1 of 4 stars; one submission).

Allele frequency attached by ClinVar (database versions not stated): gnomAD exomes below 0.00001; gnomAD 0.00001.
gnomAD v4.1: 5 of 1,591,516 alleles (0.00031%); highest among the groups gnomAD compares: African/African-American, 0.0041%; no homozygotes.

Submission:

Labcorp Genetics (formerly Invitae), Labcorp
Classification: Uncertain significance. Last evaluated: 2020-12-16. Review status: criteria provided, single submitter. Criteria: Invitae Variant Classification Sherloc (09022015). Collection method: clinical testing. Allele origin: germline.
Comment: This sequence change falls in intron 10 of the PNPT1 gene. It does not directly change the encoded amino acid sequence of the PNPT1 protein, but it affects a nucleotide within the consensus splice site of the intron. This variant is not present in population databases (ExAC no frequency). This variant has not been reported in the literature in individuals with PNPT1-related disease. Nucleotide substitutions within the consensus splice site are a relatively common cause of aberrant splicing (PMID: 17576681, 9536098). Algorithms developed to predict the effect of sequence changes on RNA splicing suggest that this variant is not likely to affect RNA splicing, but this prediction has not been confirmed by published transcriptional studies. In summary, the available evidence is currently insufficient to determine the role of this variant in disease. Therefore, it has been classified as a Variant of Uncertain Significance.

Literature cited by the submitters: PubMed 17576681; PubMed 9536098.